The following is an entry in ClinVar:

NM_182914.3(SYNE2):c.*461C>T

Gene: SYNE2 (spectrin repeat containing nuclear envelope protein 2; plus strand). Cytogenetic location: 14q23.2.
Variant type: single nucleotide variant.
Coding change: c.*461C>T on transcript NM_182914.3 (MANE Select); 461 bases downstream of the stop codon, C replaced by T.
Molecular consequence: 3 prime UTR variant.
Genome position (GRCh38, 1-based): chr14:64,225,987, C>T. VCF-style: chr14-64225987-C-T. GRCh37 (hg19) VCF-style: chr14-64692705-C-T.
Other names: c.*461C>T (NM_015180.6, NM_182910.2, NM_182913.4).
Identifiers: ClinVar variation 882141 (VCV000882141.5), dbSNP rs143053440, ClinGen allele CA261838352.
Genomic context (GRCh38, chr14:64,225,987, plus strand): 5'-AAATGGTTCAGAAACTCATAGGCACCCTTAGCTGATGGAAACAATCAATCATATTTAATA[C>T]GCTTAGAATCAGTTTTACTCCAATCAGCTGGCAATTTTGAGCTGCCGGTTATACACCAAA-3'

ClinVar aggregate classification (germline): Benign. Review status: criteria provided, multiple submitters, no conflicts (2 of 4 stars). 2 submissions from 2 submitters: Benign (2). Last evaluated 2018-01-13.

Conditions:
Emery-Dreifuss muscular dystrophy 5, autosomal dominant (EDMD5). Also called: EMERY-DREIFUSS MUSCULAR DYSTROPHY 5. Identifiers: Orphanet 261, MedGen C2751805, MONDO:0013072, OMIM 612999.

Allele frequency attached by ClinVar (database versions not stated): 1000 Genomes Project 30x 0.00109; 1000 Genomes Project 0.00120; gnomAD 0.00157 and 0.00169; TOPMed 0.00187.
gnomAD v4.1: 285 of 260,472 alleles (0.11%); highest among the groups gnomAD compares: African/African-American, 0.53%; no homozygotes.

Submissions (2):

Illumina Laboratory Services, Illumina
Classification: Benign for Emery-Dreifuss muscular dystrophy 5, autosomal dominant. Last evaluated: 2018-01-13. Review status: criteria provided, single submitter. Criteria: ICSL Variant Classification Criteria 13 December 2019. Collection method: clinical testing. Allele origin: germline.
Comment: This variant was observed in the ICSL laboratory as part of a predisposition screen in an ostensibly healthy population. It had not been previously curated by ICSL or reported in the Human Gene Mutation Database (HGMD: prior to June 1st, 2018), and was therefore a candidate for classification through an automated scoring system. Utilizing variant allele frequency, disease prevalence and penetrance estimates, and inheritance mode, an automated score was calculated to assess if this variant is too frequent to cause the disease. Based on the score and internal cut-off values, a variant classified as benign is not then subjected to further curation. The score for this variant resulted in a classification of benign for this disease.

Breakthrough Genomics
Classification: Benign. Review status: criteria provided, single submitter. Criteria: ACMG Guidelines, 2015. Collection method: not provided. Allele origin: germline. Inheritance: Autosomal dominant inheritance. Affected: yes.